The following is an entry in ClinVar:

ClinVar aggregate classification (germline): Uncertain significance (1 of 4 stars; one submission).

Allele frequency attached by ClinVar (database versions not stated): gnomAD exomes below 0.00001.
gnomAD v4.1: 3 of 1,613,512 alleles (0.00019%); highest among the groups gnomAD compares: Non-Finnish European, 0.00025%; no homozygotes.

Submission:

GeneDx
Classification: Uncertain significance. Last evaluated: 2024-07-16. Review status: criteria provided, single submitter. Criteria: GeneDx Variant Classification Process June 2021. Collection method: clinical testing. Allele origin: germline. Affected: yes.
Comment: Not observed at significant frequency in large population cohorts (gnomAD); Has not been previously published as pathogenic or benign to our knowledge; In silico analysis suggests this variant may impact gene splicing. In the absence of RNA/functional studies, the actual effect of this sequence change is unknown.

NM_004859.4(CLTC):c.4191+5G>A

Genes: CLTC (clathrin heavy chain; plus strand), LOC126862609 (CDK7 strongly-dependent group 2 enhancer GRCh37_chr17:57760547-57761746; plus strand). Cytogenetic location: 17q23.1.
Variant type: single nucleotide variant.
Coding change: c.4191+5G>A on transcript NM_004859.4 (MANE Select); 5 bases into the intron after coding-DNA position 4191, G replaced by A.
Molecular consequence: intron variant.
Genome position (GRCh38, 1-based): chr17:59,683,541, G>A. VCF-style: chr17-59683541-G-A. GRCh37 (hg19) VCF-style: chr17-57760902-G-A.
Other names: c.4203+5G>A (NM_001288653.2).
Identifiers: ClinVar variation 3252980 (VCV003252980.1), dbSNP rs2509154818.